The following is an entry in ClinVar:

NM_013266.4(CTNNA3):c.2530C>G (p.Pro844Ala)

Gene: CTNNA3 (catenin alpha 3; minus strand). Cytogenetic location: 10q21.3.
Variant type: single nucleotide variant.
Coding change: c.2530C>G on transcript NM_013266.4 (MANE Select); coding-DNA position 2530, C replaced by G.
Protein change: p.Pro844Ala; replaces proline 844 with alanine.
Molecular consequence: missense variant.
Genome position (GRCh38, 1-based): chr10:65,920,488, G>C on the plus strand (C>G on the coding strand, the complement: CTNNA3 is on the minus strand). VCF-style: chr10-65920488-G-C. GRCh37 (hg19) VCF-style: chr10-67680246-G-C.
Other names: c.2530C>G, p.Pro844Ala (NM_001127384.3); short protein forms P844A.
Identifiers: ClinVar variation 957106 (VCV000957106.9), dbSNP rs2077066633, ClinGen allele CA377088920.

ClinVar aggregate classification (germline): Uncertain significance (1 of 4 stars; one submission).

Conditions:
Arrhythmogenic right ventricular dysplasia 13. Also called: ARRHYTHMOGENIC RIGHT VENTRICULAR CARDIOMYOPATHY 13; Arrhythmogenic right ventricular dysplasia, familial, 13. Identifiers: MedGen C3810138, MONDO:0000908, OMIM 615616.

Submission:

Labcorp Genetics (formerly Invitae), Labcorp
Classification: Uncertain significance for Arrhythmogenic right ventricular dysplasia 13. Last evaluated: 2023-06-05. Review status: criteria provided, single submitter. Criteria: Invitae Variant Classification Sherloc (09022015). Collection method: clinical testing. Allele origin: germline.
Comment: ClinVar contains an entry for this variant (Variation ID: 957106). Advanced modeling of protein sequence and biophysical properties (such as structural, functional, and spatial information, amino acid conservation, physicochemical variation, residue mobility, and thermodynamic stability) performed at Invitae indicates that this missense variant is not expected to disrupt CTNNA3 protein function. In summary, the available evidence is currently insufficient to determine the role of this variant in disease. Therefore, it has been classified as a Variant of Uncertain Significance. This sequence change replaces proline, which is neutral and non-polar, with alanine, which is neutral and non-polar, at codon 844 of the CTNNA3 protein (p.Pro844Ala). This variant is not present in population databases (gnomAD no frequency). This variant has not been reported in the literature in individuals affected with CTNNA3-related conditions.